The following is an entry in ClinVar:

ClinVar aggregate classification (germline): Benign. Review status: criteria provided, multiple submitters, no conflicts (2 of 4 stars). 4 submissions from 4 submitters: Benign (4). Last evaluated 2026-01-28.

Conditions:
Fanconi anemia (FA). Also called: Fanconi's anemia. Identifiers: Orphanet 84, MedGen C0015625, MeSH D005199, MONDO:0019391.
Fanconi anemia complementation group P. Also called: SLX4-Related Fanconi Anemia. Identifiers: Orphanet 84, MedGen C3469542, MONDO:0013499, OMIM 613951.

Allele frequency attached by ClinVar (database versions not stated): 1000 Genomes Project 30x 0.00078; 1000 Genomes Project 0.00080.

Submissions (4):

Labcorp Genetics (formerly Invitae), Labcorp
Classification: Benign for Fanconi anemia. Last evaluated: 2026-01-28. Review status: criteria provided, single submitter. Criteria: Invitae Variant Classification Sherloc (09022015). Collection method: clinical testing. Allele origin: germline.

ARUP Laboratories, Molecular Genetics and Genomics, ARUP Laboratories
Classification: Benign for Fanconi anemia complementation group P. Last evaluated: 2025-02-12. Review status: criteria provided, single submitter. Criteria: ARUP Molecular Germline Variant Investigation Process 2024. Collection method: clinical testing. Allele origin: germline.

Genetic Services Laboratory, University of Chicago
Classification: Benign. Last evaluated: 2020-11-23. Review status: criteria provided, single submitter. Criteria: ACMG Guidelines, 2015. Collection method: clinical testing. Allele origin: germline. Affected: no.

Illumina Laboratory Services, Illumina
Classification: Benign for Fanconi anemia complementation group P. Last evaluated: 2017-04-27. Review status: criteria provided, single submitter. Criteria: ICSL Variant Classification Criteria 13 December 2019. Collection method: clinical testing. Allele origin: germline.
Comment: This variant was observed as part of a predisposition screen in an ostensibly healthy population. A literature search was performed for the gene, cDNA change, and amino acid change (where applicable). No publications were found based on this search. Allele frequency data from public databases was too high to be consistent with this variant causing disease. Therefore, this variant is classified as benign.

NM_032444.4(SLX4):c.1163+10C>G

Gene: SLX4 (SLX4 structure-specific endonuclease subunit; minus strand). Cytogenetic location: 16p13.3.
Variant type: single nucleotide variant.
Coding change: c.1163+10C>G on transcript NM_032444.4 (MANE Select); 10 bases into the intron after coding-DNA position 1163, C replaced by G.
Molecular consequence: intron variant.
Genome position (GRCh38, 1-based): chr16:3,600,969, G>C on the plus strand (C>G on the coding strand, the complement: SLX4 is on the minus strand). VCF-style: chr16-3600969-G-C. GRCh37 (hg19) VCF-style: chr16-3650970-G-C.
Other names: c.1163+10C>G (LRG_503t1).
Identifiers: ClinVar variation 414710 (VCV000414710.19), dbSNP rs80116508, ClinGen allele CA7866621.
Genomic context (GRCh38, chr16:3,600,969, plus strand): 5'-TTTAAATAGAAAAAGCCCTGAGTGCACACAGCATTATTTGGCTTGGTTTTCTTCCTTTTC[G>C]TCGACTTACCTGAACATGGGTGGGCTGCTGCTACCCTCAGGCTGTGCTGTCTGCAGCCGC-3'